The following is an entry in ClinVar:

ClinVar aggregate classification (germline): Likely pathogenic (1 of 4 stars; one submission).

Conditions:
Neuromuscular disease caused by qualitative or quantitative defects of dystrophin. Also called: Qualitative or quantitative defects of dystrophin. Identifiers: Orphanet 207085, MedGen C5679787, MONDO:0016147.

Submission:

Women's Health and Genetics/Laboratory Corporation of America, LabCorp
Classification: Likely pathogenic for Neuromuscular disease caused by qualitative or quantitative defects of dystrophin. Last evaluated: 2021-12-27. Review status: criteria provided, single submitter. Criteria: LabCorp Variant Classification Summary - May 2015. Collection method: clinical testing. Allele origin: germline.
Comment: Variant summary: DMD c.10224-2_10233delinsTG is located in a canonical splice-site and is predicted to affect mRNA splicing resulting in a significantly altered protein due to either exon skipping, shortening, or inclusion of intronic material. Several computational tools predict a significant impact on normal splicing: four predict the variant abolishes a 3 prime acceptor site. However, these predictions have yet to be confirmed by functional studies. The variant was absent in 177649 control chromosomes. To our knowledge, no occurrence of c.10224-2_10233delinsTG in individuals affected with Dystrophinopathies and no experimental evidence demonstrating its impact on protein function have been reported. No clinical diagnostic laboratories have submitted clinical-significance assessments for this variant to ClinVar after 2014. Based on the evidence outlined above, the variant was classified as likely pathogenic.

NM_004006.3(DMD):c.10224-2_10233delinsTG

Gene: DMD (dystrophin; minus strand). Cytogenetic location: Xp21.2.
Variant type: Indel.
Coding change: c.10224-2_10233delinsTG on transcript NM_004006.3 (MANE Select); the canonical splice acceptor site of the intron before coding-DNA position 10224 through coding-DNA position 10233, AGTCCCGTTACT replaced by TG.
Molecular consequence: splice acceptor variant. On other transcripts: intron variant (5).
Genome position (GRCh38, 1-based): chrX:31,177,961-31,177,972, AGTAACGGGACT replaced by CA on the plus strand (AGTCCCGTTACT replaced by TG on the coding strand, the reverse complement: DMD is on the minus strand). VCF-style: chrX-31177961-AGTAACGGGACT-CA. GRCh37 (hg19) VCF-style: chrX-31196078-AGTAACGGGACT-CA.
Other names: c.10200-2_10209delinsTG (NM_000109.4); c.6201-2_6210delinsTG (NM_004011.4); c.6192-2_6201delinsTG (NM_004012.4); c.2843+697_2843+708delinsTG (NM_004023.3, NM_004020.4, NM_004022.3); c.2844-2_2853delinsTG (NM_004021.3, NM_004013.3); c.2037-2_2046delinsTG (NM_004014.3); c.1019+697_1019+708delinsTG (NM_004018.3, NM_004017.3); c.1020-2_1029delinsTG (NM_004016.3, NM_004015.3); and 2 more.
Identifiers: ClinVar variation 1331486 (VCV001331486.1), dbSNP rs2148280427, ClinGen allele CA2573055233.
Genomic context (GRCh38, chrX:31,177,961, plus strand): 5'-AGCAGCACCCTTCAGCAAAAAAAGTACTCACGCAGAATCTACTGGCCAGAAGTTGATCAG[AGTAACGGGACT>CA]GCAAAACAAAAAATGAGGTGGTGAAGGAGACACACGCAAACTCAGCCGCAAAAAAATTTA-3'